The following is an entry in ClinVar:

ClinVar aggregate classification (germline): Pathogenic (1 of 4 stars; one submission).

Conditions:
Hereditary cancer-predisposing syndrome. Also called: Neoplastic Syndromes, Hereditary; Tumor predisposition; Hereditary neoplastic syndrome; Hereditary Cancer Syndrome. Identifiers: Orphanet 140162, MedGen C0027672, MeSH D009386, MONDO:0015356.

Submission:

Ambry Genetics
Classification: Pathogenic for Hereditary cancer-predisposing syndrome. Last evaluated: 2026-06-29. Review status: criteria provided, single submitter. Criteria: Ambry Variant Classification Scheme 2023. Collection method: clinical testing. Allele origin: germline.
Comment: The c.795delC pathogenic mutation, located in coding exon 4 of the SMARCA4 gene, results from a deletion of one nucleotide at nucleotide position 795, causing a translational frameshift with a predicted alternate stop codon (p.S266Rfs*37). This variant is considered to be rare based on population cohorts in the Genome Aggregation Database (gnomAD). This alteration is expected to result in loss of function by premature protein truncation or nonsense-mediated mRNA decay. Loss-of-function variants in SMARCA4 are known to cause rhabdoid tumor predisposition syndrome including small cell carcinoma of the ovary-hypercalcemic type (SCCOHT); however, such associations with neurodevelopmental disorders are exceedingly rare (Kosho T et al. Am J Med Genet C Semin Med Genet. 2014 Sep;166C(3):262-75; Jelinic P et al. Nat Genet. 2014 May;46(5):424-6). Based on the supporting evidence, this variant is pathogenic for rhabdoid tumor predisposition syndrome; however, the association of this variant with Coffin-Siris syndrome is unlikely.

NM_003072.5(SMARCA4):c.795del (p.Ser266fs)

Gene: SMARCA4 (SWI/SNF related BAF chromatin remodeling complex subunit ATPase 4; plus strand). Cytogenetic location: 19p13.2.
Variant type: Deletion.
Coding change: c.795del on transcript NM_003072.5 (MANE Select); coding-DNA position 795, one base deleted (C; older notation c.795delC).
Protein change: p.Ser266fs; shifts the reading frame from serine 266.
Molecular consequence: frameshift variant. On other transcripts: non-coding transcript variant (1).
Genome position (GRCh38, 1-based): chr19:10,986,939, C deleted; the last of 3 consecutive C bases (chr19:10,986,937-10,986,939); deleting any one gives the same sequence. VCF-style (leftmost placement, unchanged base first): chr19-10986936-AC-A. GRCh37 (hg19) VCF-style: chr19-11097612-AC-A.
Other names: c.795del, p.Ser266fs (NM_001128844.3, NM_001128845.2, NM_001128846.2 and 6 more transcripts); short protein forms S266fs.
Identifiers: ClinVar variation 5029818 (VCV005029818.1).